The following is an entry in ClinVar:

NM_000548.5(TSC2):c.-30+206T>G

Gene: TSC2 (TSC complex subunit 2; plus strand). Cytogenetic location: 16p13.3.
Variant type: single nucleotide variant.
Coding change: c.-30+206T>G on transcript NM_000548.5 (MANE Select); 206 bases into the intron after 30 bases upstream of the start codon, T replaced by G.
Molecular consequence: intron variant. On other transcripts: missense variant (1), initiator codon variant (1).
Genome position (GRCh38, 1-based): chr16:2,048,271, T>G. VCF-style: chr16-2048271-T-G. GRCh37 (hg19) VCF-style: chr16-2098272-T-G.
Other names: c.2T>G, p.Met1Arg (NM_001318832.2); c.-1767+206T>G (NM_001406693.1); c.-30+206T>G (NM_001406667.1, NM_001406668.1, NM_001114382.3 and 13 more transcripts); c.-846+206T>G (NM_001406680.1, NM_001406683.1, NM_001406687.1); c.-1461+206T>G (NM_001406689.1, NM_001406690.1, NM_001406692.1 and 2 more transcripts); c.-1637+206T>G (NM_001406698.1); c.-1342+206T>G (NM_001406694.1, NM_001406695.1); c.-1449+206T>G (NM_001406696.1); and 4 more; short protein forms M1R.
Identifiers: ClinVar variation 4988842 (VCV004988842.1).
Genomic context (GRCh38, chr16:2,048,271, plus strand): 5'-TCATGGCGGGTGCGAACGGGTCTCTGCTGCAGGCGGCTCCGTGACAGCTCCTGCTTCACA[T>G]GGGTAGAGGAGAGACGGCAAACGTCGGGGCTCCCAGGACTTCGCGGCGGCAGTCCTAACC-3'

ClinVar aggregate classification (germline): Likely benign (1 of 4 stars; one submission).

Conditions:
TSC2-related disorder. Also called: TSC2-related condition; TSC2-Related Disorders.

gnomAD v4.1: 16 of 1,223,872 alleles (0.0013%); highest among the groups gnomAD compares: Admixed American, 0.0059%; no homozygotes.

Submission:

PreventionGenetics, part of Exact Sciences
Classification: Likely benign for TSC2-related condition. Last evaluated: 2025-12-30. Review status: criteria provided, single submitter. Criteria: ACMG Guidelines, 2015. Collection method: clinical testing. Allele origin: germline.
Comment: This variant is classified as likely benign based on ACMG/AMP sequence variant interpretation guidelines (Richards et al. 2015 PMID: 25741868, with internal and published modifications).